The following is an entry in ClinVar:

ClinVar aggregate classification (germline): Pathogenic (1 of 4 stars; one submission).

Submission:

Labcorp Genetics (formerly Invitae), Labcorp
Classification: Pathogenic. Last evaluated: 2023-06-02. Review status: criteria provided, single submitter. Criteria: Invitae Variant Classification Sherloc (09022015). Collection method: clinical testing. Allele origin: germline.
Comment: For these reasons, this variant has been classified as Pathogenic. This variant has not been reported in the literature in individuals affected with DUOX2-related conditions. This sequence change creates a premature translational stop signal (p.Asp506Glufs*10) in the DUOX2 gene. It is expected to result in an absent or disrupted protein product. Loss-of-function variants in DUOX2 are known to be pathogenic (PMID: 12110737, 18765513, 21565790, 24423310, 24735383). This variant is not present in population databases (gnomAD no frequency).

Literature cited by the submitters: PubMed 12110737; PubMed 18765513; PubMed 21565790; PubMed 24423310; PubMed 24735383.

NM_001363711.2(DUOX2):c.1517dup (p.Asp506fs)

Gene: DUOX2 (dual oxidase 2; minus strand). Cytogenetic location: 15q21.1.
Variant type: Duplication.
Coding change: c.1517dup on transcript NM_001363711.2 (MANE Select); coding-DNA position 1517, one base duplicated (A; older notation c.1517dupA).
Protein change: p.Asp506fs; shifts the reading frame from aspartic acid 506.
Molecular consequence: frameshift variant.
Genome position (GRCh38, 1-based): chr15:45,108,104, T duplicated on the plus strand (A on the coding strand, the reverse complement: DUOX2 is on the minus strand). VCF-style (leftmost placement, unchanged base first): chr15-45108103-G-GT. GRCh37 (hg19) VCF-style: chr15-45400301-G-GT.
Other names: c.1517dup, p.Asp506fs (NM_014080.5); short protein forms D506fs.
Identifiers: ClinVar variation 2759497 (VCV002759497.3), dbSNP rs2504772830, ClinGen allele CA2697549015.